The following is an entry in ClinVar:

ClinVar aggregate classification (germline): Uncertain significance. Review status: criteria provided, multiple submitters, no conflicts (2 of 4 stars). 3 submissions from 3 submitters: Uncertain significance (3). Last evaluated 2023-11-25.

Conditions:
Global developmental delay - lung cysts - overgrowth - Wilms tumor syndrome. Also called: GLOBAL DEVELOPMENTAL DELAY, LUNG CYSTS, OVERGROWTH, AND WILMS TUMOR; GLOW Syndrome. Identifiers: Orphanet 404476, MedGen C4748924, MONDO:0018445, OMIM 618272.
DICER1-related tumor predisposition. Also called: DICER1-related pleuropulmonary blastoma cancer predisposition syndrome; DICER1 syndrome. Identifiers: Orphanet 284343, MedGen C3839822, MONDO:0100216.
Hereditary cancer-predisposing syndrome. Also called: Hereditary Cancer Syndrome; Neoplastic Syndromes, Hereditary; Hereditary neoplastic syndrome; Tumor predisposition. Identifiers: Orphanet 140162, MedGen C0027672, MeSH D009386, MONDO:0015356.

Submissions (3):

Labcorp Genetics (formerly Invitae), Labcorp
Classification: Uncertain significance for DICER1-related tumor predisposition. Last evaluated: 2023-11-25. Review status: criteria provided, single submitter. Criteria: Invitae Variant Classification Sherloc (09022015). Collection method: clinical testing. Allele origin: germline.
Comment: This sequence change replaces asparagine, which is neutral and polar, with aspartic acid, which is acidic and polar, at codon 279 of the DICER1 protein (p.Asn279Asp). This variant is not present in population databases (gnomAD no frequency). This variant has not been reported in the literature in individuals affected with DICER1-related conditions. ClinVar contains an entry for this variant (Variation ID: 822328). Advanced modeling of protein sequence and biophysical properties (such as structural, functional, and spatial information, amino acid conservation, physicochemical variation, residue mobility, and thermodynamic stability) performed at Invitae indicates that this missense variant is not expected to disrupt DICER1 protein function with a negative predictive value of 80%. In summary, the available evidence is currently insufficient to determine the role of this variant in disease. Therefore, it has been classified as a Variant of Uncertain Significance.

Baylor Genetics
Classification: Uncertain significance for Global developmental delay - lung cysts - overgrowth - Wilms tumor syndrome. Last evaluated: 2023-06-30. Review status: criteria provided, single submitter. Criteria: ACMG Guidelines, 2015. Collection method: clinical testing. Allele origin: unknown.

Ambry Genetics
Classification: Uncertain significance for Hereditary cancer-predisposing syndrome. Last evaluated: 2023-05-24. Review status: criteria provided, single submitter. Criteria: Ambry Variant Classification Scheme 2023. Collection method: clinical testing. Allele origin: germline.
Comment: The p.N279D variant (also known as c.835A>G), located in coding exon 6 of the DICER1 gene, results from an A to G substitution at nucleotide position 835. The asparagine at codon 279 is replaced by aspartic acid, an amino acid with highly similar properties. This amino acid position is not well conserved in available vertebrate species. In addition, this alteration is predicted to be tolerated by in silico analysis. Since supporting evidence is limited at this time, the clinical significance of this alteration remains unclear.

NM_177438.3(DICER1):c.835A>G (p.Asn279Asp)

Gene: DICER1 (dicer 1, ribonuclease III; minus strand). Cytogenetic location: 14q32.13.
Variant type: single nucleotide variant.
Coding change: c.835A>G on transcript NM_177438.3 (MANE Select); coding-DNA position 835, A replaced by G.
Protein change: p.Asn279Asp; replaces asparagine 279 with aspartic acid.
Molecular consequence: missense variant.
Genome position (GRCh38, 1-based): chr14:95,126,648, T>C on the plus strand (A>G on the coding strand, the complement: DICER1 is on the minus strand). VCF-style: chr14-95126648-T-C. GRCh37 (hg19) VCF-style: chr14-95592985-T-C.
Other names: c.835A>G, p.Asn279Asp (NM_001195573.1, NM_001271282.3, NM_001291628.2 and 1 more transcripts); short protein forms N279D.
Identifiers: ClinVar variation 822328 (VCV000822328.14), dbSNP rs1345404696, ClinGen allele CA390887575.
Genomic context (GRCh38, chr14:95,126,648, plus strand): 5'-AAATTAAAGTAGAATCTCTTTCTTTTGAATGTACAGATATATTACAATCATTGATAAAAT[T>C]AAGTGCTTCTTCTAATTCCATCAGCAGTCTTTCATAAAGCCCACTTCTGTCAGTAAATGG-3'
Protein context (NP_803187.1, residues 269-289): RLLMELEEAL[Asn279Asp]FINDCNISVH